The following is an entry in ClinVar:

NM_016239.4(MYO15A):c.6893G>A (p.Arg2298Gln)

Gene: MYO15A (myosin XVA; plus strand). Cytogenetic location: 17p11.2.
Variant type: single nucleotide variant.
Coding change: c.6893G>A on transcript NM_016239.4 (MANE Select); coding-DNA position 6893, G replaced by A.
Protein change: p.Arg2298Gln; replaces arginine 2298 with glutamine.
Molecular consequence: missense variant.
Genome position (GRCh38, 1-based): chr17:18,148,889, G>A. VCF-style: chr17-18148889-G-A. GRCh37 (hg19) VCF-style: chr17-18052203-G-A.
Other names: short protein forms R2298Q.
Identifiers: ClinVar variation 517648 (VCV000517648.6), dbSNP rs1001523088, ClinGen allele CA288409322.

ClinVar aggregate classification (germline): Pathogenic/Likely pathogenic. Review status: criteria provided, multiple submitters, no conflicts (2 of 4 stars). 2 submissions from 2 submitters: Pathogenic (1); Likely pathogenic (1). Last evaluated 2026-01-27.

Conditions:
Autosomal recessive nonsyndromic hearing loss 3. Also called: NEUROSENSORY NONSYNDROMIC RECESSIVE DEAFNESS 3. Identifiers: Orphanet 90636, MedGen C1838263, MONDO:0010860, OMIM 600316.
Nonsyndromic genetic hearing loss. Also called: Non-syndromic genetic deafness; Nonsyndromic hearing loss and deafness; Nonsyndromic genetic deafness. Identifiers: Orphanet 87884, MedGen C5680182, MONDO:0019497.

Allele frequency attached by ClinVar (database versions not stated): gnomAD exomes 0.00001.
gnomAD v4.1: 10 of 1,607,580 alleles (0.00062%); highest among the groups gnomAD compares: East Asian, 0.0045%; no homozygotes.

Submissions (2):

Women's Health and Genetics/Laboratory Corporation of America, LabCorp
Classification: Pathogenic for Autosomal recessive nonsyndromic hearing loss 3. Last evaluated: 2026-01-27. Review status: criteria provided, single submitter. Criteria: LabCorp Variant Classification Summary - May 2015. Collection method: clinical testing. Allele origin: germline.
Comment: Variant summary: MYO15A c.6893G>A (p.Arg2298Gln) results in a conservative amino acid change in the encoded protein sequence. Algorithms developed to predict the effect of missense changes on protein structure and function all suggest that this variant is likely to be tolerated. The variant allele was found at a frequency of 8.5e-06 in 234652 control chromosomes. c.6893G>A has been observed in multiple homozygous individuals affected with Autosomal Recessive Nonsyndromic Hearing Loss 3 (example, Abu-Rayyan_2020, Sloan-Heggen_2015). These data indicate that the variant is very likely to be associated with disease. The following publications have been ascertained in the context of this evaluation (PMID: 32747562, 26445815). ClinVar contains an entry for this variant (Variation ID: 517648). Based on the evidence outlined above, the variant was classified as pathogenic.

Laboratory for Molecular Medicine, Mass General Brigham Personalized Medicine
Classification: Likely pathogenic for Nonsyndromic genetic hearing loss. Last evaluated: 2023-02-02. Review status: criteria provided, single submitter. Criteria: ACMG Guidelines, 2015. Collection method: clinical testing. Allele origin: germline. Inheritance: Autosomal recessive inheritance.
Comment: The p.Arg2298Gln variant in MYO15A has been previously reported in the homozygous state in two individuals with profound sensorineural hearing loss, and segregated in 9 affected family members from two families (Sloan-Heggen 2015 PMID 26969326, personal communication with authors, Abu Rayyan 2020 PMID 32747562). It has also been identified in 0.005996% (2/33356) of Latino/Admixed American chromosomes by gnomAD. Computational prediction tools and conservation analyses do not provide strong support for or against an impact to the protein. In summary, although additional studies are required to fully establish its clinical significance, this variant meets criteria to be classified as likely pathogenic for autosomal recessive nonsyndromic hearing loss. ACMG/AMP Criteria applied: PP1_Strong, PM2_Supporting, PM3.

Literature cited by the submitters: PubMed 26445815 (cited by Women's Health and Genetics/Laboratory Corporation of America, LabCorp); PubMed 32747562 (cited by Women's Health and Genetics/Laboratory Corporation of America, LabCorp and Laboratory for Molecular Medicine, Mass General Brigham Personalized Medicine); PubMed 26969326 (cited by Laboratory for Molecular Medicine, Mass General Brigham Personalized Medicine); PubMed 31589614 (cited by Laboratory for Molecular Medicine, Mass General Brigham Personalized Medicine).